The following is an entry in ClinVar:

ClinVar aggregate classification (germline): Likely pathogenic (1 of 4 stars; one submission).

Submission:

Labcorp Genetics (formerly Invitae), Labcorp
Classification: Likely pathogenic. Last evaluated: 2023-08-04. Review status: criteria provided, single submitter. Criteria: Invitae Variant Classification Sherloc (09022015). Collection method: clinical testing. Allele origin: germline.
Comment: ClinVar contains an entry for this variant (Variation ID: 2035075). Algorithms developed to predict the effect of sequence changes on RNA splicing suggest that this variant may disrupt the consensus splice site. In summary, the currently available evidence indicates that the variant is pathogenic, but additional data are needed to prove that conclusively. Therefore, this variant has been classified as Likely Pathogenic. This variant has not been reported in the literature in individuals affected with CAD-related conditions. This sequence change affects a donor splice site in intron 13 of the CAD gene. It is expected to disrupt RNA splicing. Variants that disrupt the donor or acceptor splice site typically lead to a loss of protein function (PMID: 16199547), and loss-of-function variants in CAD are known to be pathogenic (PMID: 28007989, 32117025, 32820246, 33497533). This variant is not present in population databases (gnomAD no frequency).

Literature cited by the submitters: PubMed 16199547; PubMed 28007989; PubMed 32117025; PubMed 32820246; PubMed 33497533.

NM_004341.5(CAD):c.2031+1G>A

Gene: CAD (carbamoyl-phosphate synthetase 2, aspartate transcarbamylase, and dihydroorotase; plus strand). Cytogenetic location: 2p23.3.
Variant type: single nucleotide variant.
Coding change: c.2031+1G>A on transcript NM_004341.5 (MANE Select); the canonical splice donor site of the intron after coding-DNA position 2031, G replaced by A.
Molecular consequence: splice donor variant. On other transcripts: intron variant (1).
Genome position (GRCh38, 1-based): chr2:27,226,320, G>A. VCF-style: chr2-27226320-G-A. GRCh37 (hg19) VCF-style: chr2-27449188-G-A.
Other names: c.1843-205G>A (NM_001306079.2).
Identifiers: ClinVar variation 2035075 (VCV002035075.4), dbSNP rs2465305010, ClinGen allele CA346207382.